The following is an entry in ClinVar:

NM_001083926.2(ASRGL1):c.124G>T (p.Gly42Trp)

Gene: ASRGL1 (asparaginase and isoaspartyl peptidase 1; plus strand). Cytogenetic location: 11q12.3.
Variant type: single nucleotide variant.
Coding change: c.124G>T on transcript NM_001083926.2 (MANE Select); coding-DNA position 124, G replaced by T.
Protein change: p.Gly42Trp; replaces glycine 42 with tryptophan.
Molecular consequence: missense variant.
Genome position (GRCh38, 1-based): chr11:62,338,101, G>T. VCF-style: chr11-62338101-G-T. GRCh37 (hg19) VCF-style: chr11-62105573-G-T.
Other names: c.124G>T, p.Gly42Trp (NM_025080.4); short protein forms G42W.
Identifiers: ClinVar variation 3632877 (VCV003632877.2).
Genomic context (GRCh38, chr11:62,338,101, plus strand): 5'-CGAGTGCACCAGGGCATGGTCAGAGCCGCCACCGTGGGCTACGGCATCCTCCGGGAGGGC[G>T]GGAGCGCCGTGGATGCCGTAGAGGGAGCTGTCGTCGCCCTGGAAGACGATCCCGAGTTCA-3'
Protein context (NP_001077395.1, residues 32-52): TVGYGILREG[Gly42Trp]SAVDAVEGAV

ClinVar aggregate classification (germline): Uncertain significance (1 of 4 stars; one submission).

Submission:

Labcorp Genetics (formerly Invitae), Labcorp
Classification: Uncertain significance. Last evaluated: 2025-07-31. Review status: criteria provided, single submitter. Criteria: Invitae Variant Classification Sherloc (09022015). Collection method: clinical testing. Allele origin: germline.
Comment: This sequence change replaces glycine, which is neutral and non-polar, with tryptophan, which is neutral and slightly polar, at codon 42 of the ASRGL1 protein (p.Gly42Trp). This variant is not present in population databases (gnomAD no frequency). This variant has not been reported in the literature in individuals affected with ASRGL1-related conditions. ClinVar contains an entry for this variant (Variation ID: 3632877). An algorithm developed to predict the effect of missense changes on protein structure and function (PolyPhen-2) suggests that this variant is likely to be disruptive. In summary, the available evidence is currently insufficient to determine the role of this variant in disease. Therefore, it has been classified as a Variant of Uncertain Significance.